The following is an entry in ClinVar:

ClinVar aggregate classification (germline): Pathogenic (1 of 4 stars; one submission).

Conditions:
Familial adenomatous polyposis 1 (FAP1). Also called: FAMILIAL ADENOMATOUS POLYPOSIS 1, ATTENUATED; POLYPOSIS, ADENOMATOUS INTESTINAL. Identifiers: MedGen C2713442, MONDO:0021056, OMIM 175100. Disease mechanism: loss of function.

Submission:

Myriad Genetics, Inc.
Classification: Pathogenic for Familial adenomatous polyposis 1. Last evaluated: 2023-05-09. Review status: criteria provided, single submitter. Criteria: Myriad Autosomal Dominant, Autosomal Recessive and X-Linked Classification Criteria (2023). Collection method: clinical testing. Allele origin: unknown.
Comment: This variant is considered pathogenic. This variant creates a termination codon and is predicted to result in premature protein truncation.

NM_000038.6(APC):c.3610C>T (p.Gln1204Ter)

Gene: APC (APC regulator of Wnt signaling pathway; plus strand). Cytogenetic location: 5q22.2.
Variant type: single nucleotide variant.
Coding change: c.3610C>T on transcript NM_000038.6 (MANE Select); coding-DNA position 3610, C replaced by T.
Protein change: p.Gln1204Ter; replaces glutamine 1204 with a stop codon.
Molecular consequence: nonsense. On other transcripts: non-coding transcript variant (2).
Genome position (GRCh38, 1-based): chr5:112,839,204, C>T. VCF-style: chr5-112839204-C-T. GRCh37 (hg19) VCF-style: chr5-112174901-C-T.
Other names: c.3610C>T, p.Gln1204Ter (NM_001127510.3, NM_001354895.2, NM_001407450.1); c.3556C>T, p.Gln1186Ter (NM_001127511.3); c.3664C>T, p.Gln1222Ter (NM_001354896.2, NM_001407447.1, NM_001407448.1 and 1 more transcripts); c.3640C>T, p.Gln1214Ter (NM_001354897.2); c.3535C>T, p.Gln1179Ter (NM_001354898.2); c.3526C>T, p.Gln1176Ter (NM_001354899.2); c.3487C>T, p.Gln1163Ter (NM_001354900.2); c.3433C>T, p.Gln1145Ter (NM_001354901.2, NM_001407453.1); and 11 more; short protein forms Q1044*, Q1075*, Q1078*, Q1103*, Q1113*, Q1121*, Q1145*, Q1163*.
Identifiers: ClinVar variation 2583946 (VCV002583946.1), dbSNP rs2533511336, ClinGen allele CA16029259.